The following is an entry in ClinVar:

NM_004655.4(AXIN2):c.1125C>T (p.Ile375=)

Gene: AXIN2 (axin 2; minus strand). Cytogenetic location: 17q24.1.
Variant type: single nucleotide variant.
Coding change: c.1125C>T on transcript NM_004655.4 (MANE Select); coding-DNA position 1125, C replaced by T.
Protein change: p.Ile375=; no amino-acid change (isoleucine 375 retained).
Molecular consequence: synonymous variant.
Genome position (GRCh38, 1-based): chr17:65,538,278, G>A on the plus strand (C>T on the coding strand, the complement: AXIN2 is on the minus strand). VCF-style: chr17-65538278-G-A. GRCh37 (hg19) VCF-style: chr17-63534396-G-A.
Other names: c.1125C>T (LRG_296t1); c.1125C>T, p.Ile375= (NM_001363813.1).
Identifiers: ClinVar variation 415236 (VCV000415236.16), dbSNP rs748945736, ClinGen allele CA8718853.
Genomic context (GRCh38, chr17:65,538,278, plus strand): 5'-CAGGCGCTCCTCCAGGCTGTGGCGGCTCTCCAACTCCAGCTTCAGCTTTTCCAGCCTCGA[G>A]ATCAGCTCAGCTGCAAAGGTGGCGGGTTCCACGGGGGTCATCTCCTTGGGCAGGCGGTGG-3'
Protein context (NP_004646.3, residues 365-385): VEPATFAAEL[Ile375=]SRLEKLKLEL

ClinVar aggregate classification (germline): Benign/Likely benign. Review status: criteria provided, multiple submitters, no conflicts (2 of 4 stars). 3 submissions from 3 submitters: Benign (1); Likely benign (2). Last evaluated 2026-01-26.

Conditions:
Hereditary cancer-predisposing syndrome. Also called: Tumor predisposition; Neoplastic Syndromes, Hereditary; Hereditary neoplastic syndrome; Hereditary Cancer Syndrome. Identifiers: Orphanet 140162, MedGen C0027672, MeSH D009386, MONDO:0015356.
Oligodontia-cancer predisposition syndrome. Also called: TOOTH AGENESIS-COLORECTAL CANCER SYNDROME. Identifiers: Orphanet 300576, MedGen C1837750, MONDO:0012075, OMIM 608615. Disease mechanism: loss of function.

Allele frequency attached by ClinVar (database versions not stated): ExAC 0.00001; gnomAD exomes 0.00001; TOPMed 0.00007; gnomAD 0.00013.
gnomAD v4.1: 25 of 1,614,106 alleles (0.0015%); highest among the groups gnomAD compares: African/African-American, 0.019%; no homozygotes.

Submissions (3):

Labcorp Genetics (formerly Invitae), Labcorp
Classification: Likely benign for Oligodontia-cancer predisposition syndrome. Last evaluated: 2026-01-26. Review status: criteria provided, single submitter. Criteria: Invitae Variant Classification Sherloc (09022015). Collection method: clinical testing. Allele origin: germline.

Myriad Genetics, Inc.
Classification: Benign for Oligodontia-cancer predisposition syndrome. Last evaluated: 2024-07-01. Review status: criteria provided, single submitter. Criteria: Myriad Autosomal Dominant, Autosomal Recessive and X-Linked Classification Criteria (2023). Collection method: clinical testing. Allele origin: unknown.
Comment: This variant is considered benign. This variant is a silent/synonymous amino acid change and it is not expected to impact splicing.

Ambry Genetics
Classification: Likely benign for Hereditary cancer-predisposing syndrome. Last evaluated: 2019-11-13. Review status: criteria provided, single submitter. Criteria: Ambry Variant Classification Scheme 2023. Collection method: clinical testing. Allele origin: germline.